The following is an entry in ClinVar:

NM_001114753.3(ENG):c.1150A>G (p.Ile384Val)

Genes: ENG (endoglin; minus strand), LOC102723566 (uncharacterized LOC102723566; plus strand). Cytogenetic location: 9q34.11.
Variant type: single nucleotide variant.
Coding change: c.1150A>G on transcript NM_001114753.3 (MANE Select); coding-DNA position 1150, A replaced by G.
Protein change: p.Ile384Val; replaces isoleucine 384 with valine.
Molecular consequence: missense variant.
Genome position (GRCh38, 1-based): chr9:127,820,022, T>C on the plus strand (A>G on the coding strand, the complement: ENG is on the minus strand). VCF-style: chr9-127820022-T-C. GRCh37 (hg19) VCF-style: chr9-130582301-T-C.
Other names: c.1150A>G, p.Ile384Val (NM_000118.4); c.604A>G, p.Ile202Val (NM_001278138.2); short protein forms I202V, I384V.
Identifiers: ClinVar variation 4870436 (VCV004870436.1).

ClinVar aggregate classification (germline): Uncertain significance (1 of 4 stars; one submission).

Conditions:
Cardiovascular phenotype. Identifiers: MedGen CN230736.

gnomAD v4.1: 4 of 1,614,080 alleles (0.00025%); highest among the groups gnomAD compares: Non-Finnish European, 0.00034%; no homozygotes.

Submission:

Ambry Genetics
Classification: Uncertain significance for Cardiovascular phenotype. Last evaluated: 2026-03-31. Review status: criteria provided, single submitter. Criteria: Ambry Variant Classification Scheme 2023. Collection method: clinical testing. Allele origin: germline.
Comment: The p.I384V variant (also known as c.1150A>G), located in coding exon 9 of the ENG gene, results from an A to G substitution at nucleotide position 1150. The isoleucine at codon 384 is replaced by valine, an amino acid with highly similar properties. This amino acid position is conserved. In addition, this alteration is predicted to be tolerated by in silico analysis. Based on the available evidence, the clinical significance of this variant remains unclear.